The following is an entry in ClinVar:

ClinVar aggregate classification (germline): Uncertain significance (1 of 4 stars; one submission).

Submission:

Labcorp Genetics (formerly Invitae), Labcorp
Classification: Uncertain significance. Last evaluated: 2024-09-21. Review status: criteria provided, single submitter. Criteria: Invitae Variant Classification Sherloc (09022015). Collection method: clinical testing. Allele origin: germline.
Comment: This sequence change replaces asparagine, which is neutral and polar, with tyrosine, which is neutral and polar, at codon 312 of the EDNRB protein (p.Asn312Tyr). This variant is not present in population databases (gnomAD no frequency). This variant has not been reported in the literature in individuals affected with EDNRB-related conditions. Invitae Evidence Modeling of protein sequence and biophysical properties (such as structural, functional, and spatial information, amino acid conservation, physicochemical variation, residue mobility, and thermodynamic stability) indicates that this missense variant is not expected to disrupt EDNRB protein function with a negative predictive value of 80%. In summary, the available evidence is currently insufficient to determine the role of this variant in disease. Therefore, it has been classified as a Variant of Uncertain Significance.

NM_001122659.3(EDNRB):c.934A>T (p.Asn312Tyr)

Genes: EDNRB (endothelin receptor type B; minus strand), EDNRB-AS1 (EDNRB antisense RNA 1; plus strand). Cytogenetic location: 13q22.3.
Variant type: single nucleotide variant.
Coding change: c.934A>T on transcript NM_001122659.3 (MANE Select); coding-DNA position 934, A replaced by T.
Protein change: p.Asn312Tyr; replaces asparagine 312 with tyrosine.
Molecular consequence: missense variant.
Genome position (GRCh38, 1-based): chr13:77,901,075, T>A on the plus strand (A>T on the coding strand, the complement: EDNRB is on the minus strand). VCF-style: chr13-77901075-T-A. GRCh37 (hg19) VCF-style: chr13-78475210-T-A.
Other names: c.934A>T, p.Asn312Tyr (NM_000115.5, NM_003991.4); c.1204A>T, p.Asn402Tyr (NM_001201397.2); short protein forms N312Y, N402Y.
Identifiers: ClinVar variation 3698089 (VCV003698089.2).
Genomic context (GRCh38, chr13:77,901,075, plus strand): 5'-TATAAATTCAACCACGAGTTATCAAATATTTGTATTTTCTTACCTGCTTTAGGTGATCAT[T>A]TAAAGCAATCTGCATGCCACTTTTCTTTCTCAACATTTCACAGGTCATTAGTGTATAAAA-3'
Protein context (NP_001116131.1, residues 302-322): RKKSGMQIAL[Asn312Tyr]DHLKQRREVA